The following is an entry in ClinVar:

NM_001374828.1(ARID1B):c.907GGC[5] (p.Gly306dup)

Genes: ARID1B (AT-rich interaction domain 1B; plus strand), LOC129997525 (ATAC-STARR-seq lymphoblastoid silent region 17712; plus strand). Cytogenetic location: 6q25.3.
Variant type: Microsatellite.
Coding change: c.907GGC[5] on transcript NM_001374828.1 (MANE Select); five copies in a row of the 3-base unit GGC starting at c.907; the reference has four copies in a row; one copy, 3 bases duplicated.
Protein change: p.Gly306dup; duplicates glycine 306.
Molecular consequence: inframe insertion.
Genome position (GRCh38, 1-based): chr6:156,778,596-156,778,598, GGC duplicated; duplicating any 3 consecutive bases within chr6:156,778,587-156,778,598 gives the same sequence; the position shown is the placement nearest the transcript's 3' end. VCF-style (leftmost placement, unchanged base first): chr6-156778586-G-GGGC. GRCh37 (hg19) VCF-style: chr6-157099720-G-GGGC.
Other names: c.907GGC[5], p.Gly306dup (NM_001371656.1, NM_001374820.1, NM_017519.3).
Identifiers: ClinVar variation 1443142 (VCV001443142.6), dbSNP rs939602554, ClinGen allele CA150802745.
Genomic context (GRCh38, chr6:156,778,586, plus strand): 5'-CTACGAGCACCCGGGCTTGGGCGCCCTGGGCACGCAGCAGCCGCCGGTCGCCGTGCCCGG[G>GGGC]GGCGGCGGCGGCCCGGCGGCCGTCCCGGAGTTTAATAATTACTATGGCAGCGCTGCCCCT-3'

ClinVar aggregate classification (germline): Uncertain significance (1 of 4 stars; one submission).

Submission:

Labcorp Genetics (formerly Invitae), Labcorp
Classification: Uncertain significance. Last evaluated: 2024-06-07. Review status: criteria provided, single submitter. Criteria: Invitae Variant Classification Sherloc (09022015). Collection method: clinical testing. Allele origin: germline.
Comment: This variant, c.667_669dup, results in the insertion of 1 amino acid(s) of the ARID1B protein (p.Gly223dup), but otherwise preserves the integrity of the reading frame. This variant is present in population databases (no rsID available, gnomAD 0.07%). This variant has not been reported in the literature in individuals affected with ARID1B-related conditions. Experimental studies and prediction algorithms are not available or were not evaluated, and the functional significance of this variant is currently unknown. In summary, the available evidence is currently insufficient to determine the role of this variant in disease. Therefore, it has been classified as a Variant of Uncertain Significance.